The following is an entry in ClinVar:

ClinVar aggregate classification (germline): Likely benign. Review status: criteria provided, multiple submitters, no conflicts (2 of 4 stars). 2 submissions from 2 submitters: Likely benign (2). Last evaluated 2025-12-26.

Conditions:
KMT2D-related disorder. Also called: KMT2D-Related Disorders.
Kabuki syndrome. Also called: Kabuki make-up syndrome; NIIKAWA-KUROKI SYNDROME. Identifiers: Orphanet 2322, MedGen C0796004, MONDO:0016512.

Allele frequency attached by ClinVar (database versions not stated): ExAC 0.00002; gnomAD 0.00004; TOPMed 0.00005; ESP Exome Variant Server 0.00008; gnomAD exomes 0.00011.
gnomAD v4.1: 159 of 1,613,894 alleles (0.0099%); highest among the groups gnomAD compares: Non-Finnish European, 0.013%; no homozygotes.

Submissions (2):

PreventionGenetics, part of Exact Sciences
Classification: Likely benign for KMT2D-related condition. Last evaluated: 2025-12-26. Review status: criteria provided, single submitter. Criteria: ACMG Guidelines, 2015. Collection method: clinical testing. Allele origin: germline.
Comment: This variant is classified as likely benign based on ACMG/AMP sequence variant interpretation guidelines (Richards et al. 2015 PMID: 25741868, with internal and published modifications).

Labcorp Genetics (formerly Invitae), Labcorp
Classification: Likely benign for Kabuki syndrome. Last evaluated: 2025-12-23. Review status: criteria provided, single submitter. Criteria: Invitae Variant Classification Sherloc (09022015). Collection method: clinical testing. Allele origin: germline.

NM_003482.4(KMT2D):c.15435G>A (p.Glu5145=)

Gene: KMT2D (lysine methyltransferase 2D; minus strand). Cytogenetic location: 12q13.12.
Variant type: single nucleotide variant.
Coding change: c.15435G>A on transcript NM_003482.4 (MANE Select); coding-DNA position 15435, G replaced by A.
Protein change: p.Glu5145=; no amino-acid change (glutamic acid 5145 retained).
Molecular consequence: synonymous variant.
Genome position (GRCh38, 1-based): chr12:49,026,531, C>T on the plus strand (G>A on the coding strand, the complement: KMT2D is on the minus strand). VCF-style: chr12-49026531-C-T. GRCh37 (hg19) VCF-style: chr12-49420314-C-T.
Identifiers: ClinVar variation 2083727 (VCV002083727.5), dbSNP rs374694639, ClinGen allele CA6545567.